The following is an entry in ClinVar:

ClinVar aggregate classification (germline): Benign. Review status: criteria provided, multiple submitters, no conflicts (2 of 4 stars). 8 submissions from 8 submitters: Benign (5). 3 of the submissions do not count toward it. Last evaluated 2026-02-03.

Conditions:
Bohring-Opitz syndrome. Also called: C-LIKE SYNDROME; BOHRING SYNDROME; ASXL1-Related Bohring-Opitz Syndrome; OPITZ TRIGONOCEPHALY-LIKE SYNDROME. Identifiers: Orphanet 97297, MedGen C0796232, MONDO:0011510, OMIM 605039.

Allele frequency attached by ClinVar (database versions not stated): ESP Exome Variant Server 0.32008; gnomAD 0.34448 and 0.35192; TOPMed 0.34621; gnomAD exomes 0.39346 and 0.42425; 1000 Genomes Project 30x 0.39975; 1000 Genomes Project 0.40575; ExAC 0.41833.
gnomAD v4.1: 628,422 of 1,613,818 alleles (39%); highest among the groups gnomAD compares: East Asian, 72%; 127,377 homozygotes.

Submissions (8):

Labcorp Genetics (formerly Invitae), Labcorp
Classification: Benign. Last evaluated: 2026-02-03. Review status: criteria provided, single submitter. Criteria: Invitae Variant Classification Sherloc (09022015). Collection method: clinical testing. Allele origin: germline.

Blueprint Genetics
Classification: Benign. Last evaluated: 2024-11-28. Review status: criteria provided, single submitter. Criteria: ACMG Guidelines, 2015. Collection method: clinical testing. Allele origin: germline.

Genome-Nilou Lab
Classification: Benign for Bohring-Opitz syndrome. Last evaluated: 2021-07-14. Review status: criteria provided, single submitter. Criteria: ACMG Guidelines, 2015. Collection method: clinical testing. Allele origin: germline. Affected: no.

GeneDx
Classification: Benign. Last evaluated: 2017-03-07. Review status: criteria provided, single submitter. Criteria: GeneDx Variant Classification (06012015). Collection method: clinical testing. Allele origin: germline. Affected: yes.
Comment: This variant is considered likely benign or benign based on one or more of the following criteria: it is a conservative change, it occurs at a poorly conserved position in the protein, it is predicted to be benign by multiple in silico algorithms, and/or has population frequency not consistent with disease.

Breakthrough Genomics
Classification: Benign. Review status: criteria provided, single submitter. Criteria: ACMG Guidelines, 2015. Collection method: not provided. Allele origin: germline. Inheritance: Autosomal dominant inheritance. Affected: yes.

Clinical Genetics DNA and cytogenetics Diagnostics Lab, Erasmus MC, Erasmus Medical Center
Classification: Benign. Review status: no assertion criteria provided. Collection method: clinical testing. Allele origin: germline. Affected: yes. Study: VKGL Data-share Consensus. Not counted in ClinVar's aggregate classification.

Diagnostic Laboratory, Department of Genetics, University Medical Center Groningen
Classification: Benign. Review status: no assertion criteria provided. Collection method: clinical testing. Allele origin: germline. Affected: yes. Study: VKGL Data-share Consensus. Not counted in ClinVar's aggregate classification.

Joint Genome Diagnostic Labs from Nijmegen and Maastricht, Radboudumc and MUMC+
Classification: Benign. Review status: no assertion criteria provided. Collection method: clinical testing. Allele origin: germline. Affected: yes. Study: VKGL Data-share Consensus. Not counted in ClinVar's aggregate classification.

NM_015338.6(ASXL1):c.3759T>C (p.Ser1253=)

Gene: ASXL1 (ASXL transcriptional regulator 1; plus strand). Cytogenetic location: 20q11.21.
Variant type: single nucleotide variant.
Coding change: c.3759T>C on transcript NM_015338.6 (MANE Select); coding-DNA position 3759, T replaced by C.
Protein change: p.Ser1253=; no amino-acid change (serine 1253 retained).
Molecular consequence: synonymous variant.
Genome position (GRCh38, 1-based): chr20:32,436,471, T>C. VCF-style: chr20-32436471-T-C. GRCh37 (hg19) VCF-style: chr20-31024274-T-C.
Other names: c.3576T>C, p.Ser1192= (NM_001363734.1).
Identifiers: ClinVar variation 338113 (VCV000338113.20), dbSNP rs4911231, ClinGen allele CA9808894.